The following is an entry in ClinVar:

ClinVar aggregate classification (germline): Uncertain significance. Review status: criteria provided, multiple submitters, no conflicts (2 of 4 stars). 3 submissions from 3 submitters: Uncertain significance (2). 1 of the submissions does not count toward it. Last evaluated 2024-10-15.

Conditions:
Walker-Warburg congenital muscular dystrophy. Also called: Muscular dystrophy-dystroglycanopathy, type A; Walker-Warburg syndrome. Identifiers: Orphanet 899, MedGen C0265221, MONDO:0000171.
Cardiovascular phenotype. Identifiers: MedGen CN230736.
Autosomal recessive limb-girdle muscular dystrophy type 2I. Also called: MUSCULAR DYSTROPHY-DYSTROGLYCANOPATHY, LIMB-GIRDLE, FRKP-RELATED; MUSCULAR DYSTROPHY, LIMB-GIRDLE, TYPE 2I; MUSCULAR DYSTROPHY-DYSTROGLYCANOPATHY (LIMB-GIRDLE), TYPE C, 5. Identifiers: Orphanet 34515, MedGen C1846672, MONDO:0011787, OMIM 607155.

Allele frequency attached by ClinVar (database versions not stated): gnomAD 0.00001; TOPMed 0.00001; ExAC 0.00002; gnomAD exomes 0.00002.
gnomAD v4.1: 5 of 1,603,914 alleles (0.00031%); highest among the groups gnomAD compares: East Asian, 0.0045%; no homozygotes.

Submissions (3):

Ambry Genetics
Classification: Uncertain significance for Cardiovascular phenotype. Last evaluated: 2024-10-15. Review status: criteria provided, single submitter. Criteria: Ambry Variant Classification Scheme 2023. Collection method: clinical testing. Allele origin: germline.
Comment: The p.A58T variant (also known as c.172G>A), located in coding exon 1 of the FKRP gene, results from a G to A substitution at nucleotide position 172. The alanine at codon 58 is replaced by threonine, an amino acid with similar properties. This amino acid position is conserved. In addition, this alteration is predicted to be tolerated by in silico analysis. Based on the available evidence, the clinical significance of this variant remains unclear.

Labcorp Genetics (formerly Invitae), Labcorp
Classification: Uncertain significance for Walker-Warburg congenital muscular dystrophy. Last evaluated: 2022-07-19. Review status: criteria provided, single submitter. Criteria: Invitae Variant Classification Sherloc (09022015). Collection method: clinical testing. Allele origin: germline.
Comment: This sequence change replaces alanine, which is neutral and non-polar, with threonine, which is neutral and polar, at codon 58 of the FKRP protein (p.Ala58Thr). The frequency data for this variant in the population databases is considered unreliable, as metrics indicate poor data quality at this position in the gnomAD database. This variant has not been reported in the literature in individuals affected with FKRP-related conditions. ClinVar contains an entry for this variant (Variation ID: 851885). Algorithms developed to predict the effect of missense changes on protein structure and function output the following: SIFT: "Tolerated"; PolyPhen-2: "Benign"; Align-GVGD: "Class C0". The threonine amino acid residue is found in multiple mammalian species, which suggests that this missense change does not adversely affect protein function. In summary, the available evidence is currently insufficient to determine the role of this variant in disease. Therefore, it has been classified as a Variant of Uncertain Significance.

Natera, Inc.
Classification: Uncertain significance for Limb-girdle muscular dystrophy type 2I. Last evaluated: 2020-08-13. Review status: no assertion criteria provided. Collection method: clinical testing. Allele origin: germline. Not counted in ClinVar's aggregate classification.

NM_024301.5(FKRP):c.172G>A (p.Ala58Thr)

Gene: FKRP (fukutin related protein; plus strand). Cytogenetic location: 19q13.32.
Variant type: single nucleotide variant.
Coding change: c.172G>A on transcript NM_024301.5 (MANE Select); coding-DNA position 172, G replaced by A.
Protein change: p.Ala58Thr; replaces alanine 58 with threonine.
Molecular consequence: missense variant.
Genome position (GRCh38, 1-based): chr19:46,755,622, G>A. VCF-style: chr19-46755622-G-A. GRCh37 (hg19) VCF-style: chr19-47258879-G-A.
Other names: c.172G>A, p.Ala58Thr (NM_001039885.3); short protein forms A58T.
Identifiers: ClinVar variation 851885 (VCV000851885.5), dbSNP rs751506122, ClinGen allele CA9532121.